The following is an entry in ClinVar:

ClinVar aggregate classification (germline): Uncertain significance (1 of 4 stars; one submission).

Allele frequency attached by ClinVar (database versions not stated): TOPMed below 0.00001.
gnomAD v4.1: 1 of 1,587,774 alleles (0.000063%); highest among the groups gnomAD compares: Non-Finnish European, 0.000085%; no homozygotes.

Submission:

Labcorp Genetics (formerly Invitae), Labcorp
Classification: Uncertain significance. Last evaluated: 2022-12-14. Review status: criteria provided, single submitter. Criteria: Invitae Variant Classification Sherloc (09022015). Collection method: clinical testing. Allele origin: germline.
Comment: This variant has not been reported in the literature in individuals affected with MKL1-related conditions. This variant is not present in population databases (gnomAD no frequency). This sequence change replaces alanine, which is neutral and non-polar, with valine, which is neutral and non-polar, at codon 637 of the MKL1 protein (p.Ala637Val). Algorithms developed to predict the effect of missense changes on protein structure and function output the following: SIFT: "Tolerated"; PolyPhen-2: "Benign"; Align-GVGD: "Class C0". The valine amino acid residue is found in multiple mammalian species, which suggests that this missense change does not adversely affect protein function. In summary, the available evidence is currently insufficient to determine the role of this variant in disease. Therefore, it has been classified as a Variant of Uncertain Significance.

NM_020831.6(MRTFA):c.2210C>T (p.Ala737Val)

Gene: MRTFA (myocardin related transcription factor A; minus strand). Cytogenetic location: 22q13.1.
Variant type: single nucleotide variant.
Coding change: c.2210C>T on transcript NM_020831.6 (MANE Select); coding-DNA position 2210, C replaced by T.
Protein change: p.Ala737Val; replaces alanine 737 with valine.
Molecular consequence: missense variant.
Genome position (GRCh38, 1-based): chr22:40,418,528, G>A on the plus strand (C>T on the coding strand, the complement: MRTFA is on the minus strand). VCF-style: chr22-40418528-G-A. GRCh37 (hg19) VCF-style: chr22-40814532-G-A.
Other names: c.1910C>T, p.Ala637Val (NM_001282660.2); c.2060C>T, p.Ala687Val (NM_001282661.3); c.2210C>T, p.Ala737Val (NM_001282662.3); c.2015C>T, p.Ala672Val (NM_001318139.2); short protein forms A737V, A672V, A637V, A687V.
Identifiers: ClinVar variation 2797663 (VCV002797663.3), dbSNP rs2052741065, ClinGen allele CA411657790.
Genomic context (GRCh38, chr22:40,418,528, plus strand): 5'-GTGGGAGGTGCAACCCCCTTGATGAGGCTGGGGCCCTGAGGCCCCAGAAGCAACTGGGGG[G>A]CGGGGACCGGCTCGGGCTCAGGCTGCAAGGCTTCCTGCTTCACCACCACGGACGGGGGCC-3'
Protein context (NP_065882.2, residues 727-747): ALQPEPEPVP[Ala737Val]PQLLLGPQGP